The following is an entry in ClinVar:

NM_000051.4(ATM):c.5430T>G (p.Thr1810=)

Gene: ATM (ATM serine/threonine kinase; plus strand). Cytogenetic location: 11q22.3.
Variant type: single nucleotide variant.
Coding change: c.5430T>G on transcript NM_000051.4 (MANE Select); coding-DNA position 5430, T replaced by G.
Protein change: p.Thr1810=; no amino-acid change (threonine 1810 retained).
Molecular consequence: synonymous variant.
Genome position (GRCh38, 1-based): chr11:108,302,963, T>G. VCF-style: chr11-108302963-T-G. GRCh37 (hg19) VCF-style: chr11-108173690-T-G.
Other names: c.5430T>G, p.Thr1810= (NM_001351834.2).
Identifiers: ClinVar variation 385457 (VCV000385457.7), dbSNP rs1057522229, ClinGen allele CA16606094.

ClinVar aggregate classification (germline): Benign/Likely benign. Review status: criteria provided, multiple submitters, no conflicts (2 of 4 stars). 4 submissions from 4 submitters: Benign (1); Likely benign (3). Last evaluated 2025-05-03.

Conditions:
Hereditary cancer-predisposing syndrome. Also called: Neoplastic Syndromes, Hereditary; Hereditary neoplastic syndrome; Tumor predisposition; Hereditary Cancer Syndrome. Identifiers: Orphanet 140162, MedGen C0027672, MeSH D009386, MONDO:0015356.
Ataxia-telangiectasia syndrome (AT). Also called: AT, COMPLEMENTATION GROUP C; ATAXIA-TELANGIECTASIA, COMPLEMENTATION GROUP A; ATAXIA-TELANGIECTASIA, FRESNO VARIANT; LOUIS-BAR SYNDROME; Ataxia-telangiectasia; Cerebello-oculocutaneous telangiectasia. Identifiers: Orphanet 100, MedGen C0004135, MONDO:0008840, OMIM 208900.
Familial cancer of breast. Also called: BREAST CANCER, FAMILIAL; hereditary breast carcinoma; Hereditary breast cancer. Identifiers: Orphanet 227535, MedGen C0346153, MONDO:0016419, OMIM 114480. Disease mechanism: loss of function.

Submissions (4):

Labcorp Genetics (formerly Invitae), Labcorp
Classification: Likely benign for Ataxia-telangiectasia syndrome. Last evaluated: 2025-05-03. Review status: criteria provided, single submitter. Criteria: Invitae Variant Classification Sherloc (09022015). Collection method: clinical testing. Allele origin: germline.

Ambry Genetics
Classification: Likely benign for Hereditary cancer-predisposing syndrome. Last evaluated: 2024-07-31. Review status: criteria provided, single submitter. Criteria: Ambry Variant Classification Scheme 2023. Collection method: clinical testing. Allele origin: germline.

Myriad Genetics, Inc.
Classification: Benign for Familial cancer of breast. Last evaluated: 2024-05-23. Review status: criteria provided, single submitter. Criteria: Myriad Autosomal Dominant, Autosomal Recessive and X-Linked Classification Criteria (2023). Collection method: clinical testing. Allele origin: unknown.
Comment: This variant is considered benign. This variant is a silent/synonymous amino acid change and it is not expected to impact splicing.

GeneDx
Classification: Likely benign. Last evaluated: 2016-04-12. Review status: criteria provided, single submitter. Criteria: GeneDx Variant Classification (06012015). Collection method: clinical testing. Allele origin: germline. Affected: yes.
Comment: This variant is considered likely benign or benign based on one or more of the following criteria: it is a conservative change, it occurs at a poorly conserved position in the protein, it is predicted to be benign by multiple in silico algorithms, and/or has population frequency not consistent with disease.